The following is an entry in ClinVar:

NM_000048.4(ASL):c.326C>T (p.Thr109Met)

Gene: ASL (argininosuccinate lyase; plus strand). Cytogenetic location: 7q11.21.
Variant type: single nucleotide variant.
Coding change: c.326C>T on transcript NM_000048.4 (MANE Select); coding-DNA position 326, C replaced by T.
Protein change: p.Thr109Met; replaces threonine 109 with methionine.
Molecular consequence: missense variant.
Genome position (GRCh38, 1-based): chr7:66,082,914, C>T. VCF-style: chr7-66082914-C-T. GRCh37 (hg19) VCF-style: chr7-65547901-C-T.
Other names: c.326C>T, p.Thr109Met (NM_001024946.2, NM_001024943.2, NM_001024944.2); short protein forms T109M.
Identifiers: ClinVar variation 658327 (VCV000658327.9), dbSNP rs146123574, ClinGen allele CA4276902.

ClinVar aggregate classification (germline): Uncertain significance. Review status: criteria provided, single submitter (1 of 4 stars). 2 submissions from 2 submitters: Uncertain significance (1). 1 of the submissions does not count toward it. Last evaluated 2021-09-02.

Conditions:
Argininosuccinate lyase deficiency. Also called: Argininosuccinic aciduria; ARGININOSUCCINIC ACID LYASE DEFICIENCY; ASL DEFICIENCY. Identifiers: Orphanet 23, MedGen C0268547, MONDO:0008815, OMIM 207900, HP:0025630.

Allele frequency attached by ClinVar (database versions not stated): gnomAD 0.00001; gnomAD exomes 0.00001 and 0.00002; ExAC 0.00003; 1000 Genomes Project 30x 0.00016; 1000 Genomes Project 0.00020.
gnomAD v4.1: 21 of 1,613,672 alleles (0.0013%); highest among the groups gnomAD compares: South Asian, 0.0088%; no homozygotes.

Submissions (2):

Labcorp Genetics (formerly Invitae), Labcorp
Classification: Uncertain significance for Argininosuccinate lyase deficiency. Last evaluated: 2021-09-02. Review status: criteria provided, single submitter. Criteria: Invitae Variant Classification Sherloc (09022015). Collection method: clinical testing. Allele origin: germline.
Comment: This sequence change replaces threonine with methionine at codon 109 of the ASL protein (p.Thr109Met). The threonine residue is highly conserved and there is a moderate physicochemical difference between threonine and methionine. This variant is present in population databases (rs146123574, ExAC 0.05%). This variant has not been reported in the literature in individuals affected with ASL-related conditions. ClinVar contains an entry for this variant (Variation ID: 658327). Algorithms developed to predict the effect of missense changes on protein structure and function (SIFT, PolyPhen-2, Align-GVGD) all suggest that this variant is likely to be disruptive. In summary, the available evidence is currently insufficient to determine the role of this variant in disease. Therefore, it has been classified as a Variant of Uncertain Significance.

Natera, Inc.
Classification: Uncertain significance for Argininosuccinate lyase deficiency. Last evaluated: 2021-01-05. Review status: no assertion criteria provided. Collection method: clinical testing. Allele origin: germline. Not counted in ClinVar's aggregate classification.